The following is an entry in ClinVar:

ClinVar aggregate classification (germline): Uncertain significance (1 of 4 stars; one submission).

gnomAD v4.1: 11 of 1,613,826 alleles (0.00068%); highest among the groups gnomAD compares: African/African-American, 0.0027%; no homozygotes.

Submission:

Women's Health and Genetics/Laboratory Corporation of America, LabCorp
Classification: Uncertain significance. Last evaluated: 2024-04-26. Review status: criteria provided, single submitter. Criteria: LabCorp Variant Classification Summary - May 2015. Collection method: clinical testing. Allele origin: germline.
Comment: Variant summary: COL4A2 c.946C>G (p.Pro316Ala) results in a non-conservative amino acid change in the encoded protein sequence. Three of five in-silico tools predict a damaging effect of the variant on protein function. The variant was absent in 249400 control chromosomes. The available data on variant occurrences in the general population are insufficient to allow any conclusion about variant significance. To our knowledge, no occurrence of c.946C>G in individuals affected with Porencephaly 2 and no experimental evidence demonstrating its impact on protein function have been reported. No submitters have cited clinical-significance assessments for this variant to ClinVar. Based on the evidence outlined above, the variant was classified as uncertain significance.

NM_001846.4(COL4A2):c.946C>G (p.Pro316Ala)

Gene: COL4A2 (collagen type IV alpha 2 chain; plus strand). Cytogenetic location: 13q34.
Variant type: single nucleotide variant.
Coding change: c.946C>G on transcript NM_001846.4 (MANE Select); coding-DNA position 946, C replaced by G.
Protein change: p.Pro316Ala; replaces proline 316 with alanine.
Molecular consequence: missense variant.
Genome position (GRCh38, 1-based): chr13:110,439,822, C>G. VCF-style: chr13-110439822-C-G. GRCh37 (hg19) VCF-style: chr13-111092169-C-G.
Other names: short protein forms P316A.
Identifiers: ClinVar variation 3251668 (VCV003251668.1), dbSNP rs369491516.